The following is an entry in ClinVar:

NM_004855.5(PIGB):c.1275T>A (p.Asn425Lys)

Gene: PIGB (phosphatidylinositol glycan anchor biosynthesis class B; plus strand). Cytogenetic location: 15q21.3.
Variant type: single nucleotide variant.
Coding change: c.1275T>A on transcript NM_004855.5 (MANE Select); coding-DNA position 1275, T replaced by A.
Protein change: p.Asn425Lys; replaces asparagine 425 with lysine.
Molecular consequence: missense variant.
Genome position (GRCh38, 1-based): chr15:55,350,850, T>A. VCF-style: chr15-55350850-T-A. GRCh37 (hg19) VCF-style: chr15-55643048-T-A.
Other names: short protein forms N425K.
Identifiers: ClinVar variation 2024610 (VCV002024610.4), dbSNP rs2543144763, ClinGen allele CA392543726.
Genomic context (GRCh38, chr15:55,350,850, plus strand): 5'-AGTTCATCAACGAGGTACTCTTGATGTCATGAGTCATATTCAAAAAGTTTGTTACAACAA[T>A]CCCAATAAATCTTCAGCTTCAATATTTATAATGATGCCTTGCCACTCTACTCCTTATTAC-3'
Protein context (NP_004846.4, residues 415-435): MSHIQKVCYN[Asn425Lys]PNKSSASIFI

ClinVar aggregate classification (germline): Uncertain significance (1 of 4 stars; one submission).

Submission:

Labcorp Genetics (formerly Invitae), Labcorp
Classification: Uncertain significance. Last evaluated: 2022-11-01. Review status: criteria provided, single submitter. Criteria: Invitae Variant Classification Sherloc (09022015). Collection method: clinical testing. Allele origin: germline.
Comment: Algorithms developed to predict the effect of missense changes on protein structure and function output the following: SIFT: "Tolerated"; PolyPhen-2: "Benign"; Align-GVGD: "Class C0". The lysine amino acid residue is found in multiple mammalian species, which suggests that this missense change does not adversely affect protein function. In summary, the available evidence is currently insufficient to determine the role of this variant in disease. Therefore, it has been classified as a Variant of Uncertain Significance. This variant has not been reported in the literature in individuals affected with PIGB-related conditions. This variant is not present in population databases (gnomAD no frequency). This sequence change replaces asparagine, which is neutral and polar, with lysine, which is basic and polar, at codon 425 of the PIGB protein (p.Asn425Lys).